The following is an entry in ClinVar:

NM_005138.3(SCO2):c.461A>G (p.Glu154Gly)

Genes: NCAPH2 (non-SMC condensin II complex subunit H2; plus strand), SCO2 (synthesis of cytochrome C oxidase 2; minus strand). Cytogenetic location: 22q13.33.
Variant type: single nucleotide variant.
Coding change: c.461A>G on transcript NM_005138.3 (MANE Select); coding-DNA position 461, A replaced by G.
Protein change: p.Glu154Gly; replaces glutamic acid 154 with glycine.
Molecular consequence: missense variant. On other transcripts: 3 prime UTR variant (2).
Genome position (GRCh38, 1-based): chr22:50,523,951, T>C on the plus strand (A>G on the coding strand, the complement: SCO2 is on the minus strand). VCF-style: chr22-50523951-T-C. GRCh37 (hg19) VCF-style: chr22-50962380-T-C.
Other names: c.*576T>C (NM_001185011.2, NM_152299.4); c.461A>G, p.Glu154Gly (NM_001169109.2, NM_001169110.1, NM_001169111.2); short protein forms E154G.
Identifiers: ClinVar variation 1480800 (VCV001480800.8), dbSNP rs113634107, ClinGen allele CA325555556.

ClinVar aggregate classification (germline): Uncertain significance (1 of 4 stars; one submission).

Submission:

Labcorp Genetics (formerly Invitae), Labcorp
Classification: Uncertain significance. Last evaluated: 2025-01-27. Review status: criteria provided, single submitter. Criteria: Invitae Variant Classification Sherloc (09022015). Collection method: clinical testing. Allele origin: germline.
Comment: This sequence change replaces glutamic acid, which is acidic and polar, with glycine, which is neutral and non-polar, at codon 154 of the SCO2 protein (p.Glu154Gly). This variant is not present in population databases (gnomAD no frequency). This variant has not been reported in the literature in individuals affected with SCO2-related conditions. ClinVar contains an entry for this variant (Variation ID: 1480800). Invitae Evidence Modeling of protein sequence and biophysical properties (such as structural, functional, and spatial information, amino acid conservation, physicochemical variation, residue mobility, and thermodynamic stability) indicates that this missense variant is not expected to disrupt SCO2 protein function with a negative predictive value of 80%. In summary, the available evidence is currently insufficient to determine the role of this variant in disease. Therefore, it has been classified as a Variant of Uncertain Significance.